The following is an entry in ClinVar:

ClinVar aggregate classification (germline): Uncertain significance. Review status: criteria provided, multiple submitters, no conflicts (2 of 4 stars). 2 submissions from 2 submitters: Uncertain significance (2). Last evaluated 2025-10-09.

Conditions:
Hereditary cancer-predisposing syndrome. Also called: Hereditary Cancer Syndrome; Hereditary neoplastic syndrome; Neoplastic Syndromes, Hereditary; Tumor predisposition. Identifiers: Orphanet 140162, MedGen C0027672, MeSH D009386, MONDO:0015356.

Submissions (2):

Labcorp Genetics (formerly Invitae), Labcorp
Classification: Uncertain significance. Last evaluated: 2025-10-09. Review status: criteria provided, single submitter. Criteria: Invitae Variant Classification Sherloc (09022015). Collection method: clinical testing. Allele origin: germline.
Comment: This sequence change replaces proline, which is neutral and non-polar, with threonine, which is neutral and polar, at codon 44 of the HOXB13 protein (p.Pro44Thr). This variant is not present in population databases (gnomAD no frequency). This variant has not been reported in the literature in individuals affected with HOXB13-related conditions. ClinVar contains an entry for this variant (Variation ID: 1769613). An algorithm developed to predict the effect of missense changes on protein structure and function (PolyPhen-2) suggests that this variant is likely to be tolerated. In summary, the available evidence is currently insufficient to determine the role of this variant in disease. Therefore, it has been classified as a Variant of Uncertain Significance.

Ambry Genetics
Classification: Uncertain significance for Hereditary cancer-predisposing syndrome. Last evaluated: 2025-08-30. Review status: criteria provided, single submitter. Criteria: Ambry Variant Classification Scheme 2023. Collection method: clinical testing. Allele origin: germline.
Comment: The p.P44T variant (also known as c.130C>A), located in coding exon 1 of the HOXB13 gene, results from a C to A substitution at nucleotide position 130. The proline at codon 44 is replaced by threonine, an amino acid with highly similar properties. This amino acid position is conserved. In addition, this alteration is predicted to be tolerated by in silico analysis. Since supporting evidence is limited at this time, the clinical significance of this alteration remains unclear.

NM_006361.6(HOXB13):c.130C>A (p.Pro44Thr)

Gene: HOXB13 (homeobox B13; minus strand). Cytogenetic location: 17q21.32.
Variant type: single nucleotide variant.
Coding change: c.130C>A on transcript NM_006361.6 (MANE Select); coding-DNA position 130, C replaced by A.
Protein change: p.Pro44Thr; replaces proline 44 with threonine.
Molecular consequence: missense variant.
Genome position (GRCh38, 1-based): chr17:48,728,464, G>T on the plus strand (C>A on the coding strand, the complement: HOXB13 is on the minus strand). VCF-style: chr17-48728464-G-T. GRCh37 (hg19) VCF-style: chr17-46805826-G-T.
Other names: short protein forms P44T.
Identifiers: ClinVar variation 1769613 (VCV001769613.5), dbSNP rs1176443254, ClinGen allele CA400109182.
Genomic context (GRCh38, chr17:48,728,464, plus strand): 5'-GGCATTGCTTTGGCGGCTCCGCCGAGCCTGGCAGATCCAAGGGGGCATAGTTGACAGCAG[G>T]CATCAGCGTAGGCGCCGCTGGGTGGCTGGTCAGAGGGGAGTGGGCGACCAGATTCCGCCC-3'
Protein context (NP_006352.2, residues 34-54): TSHPAAPTLM[Pro44Thr]AVNYAPLDLP